The following is an entry in ClinVar:

NM_012472.6(DNAAF11):c.1300G>A (p.Glu434Lys)

Gene: DNAAF11 (dynein axonemal assembly factor 11; minus strand). Cytogenetic location: 8q24.22.
Variant type: single nucleotide variant.
Coding change: c.1300G>A on transcript NM_012472.6 (MANE Select); coding-DNA position 1300, G replaced by A.
Protein change: p.Glu434Lys; replaces glutamic acid 434 with lysine.
Molecular consequence: missense variant. On other transcripts: non-coding transcript variant (10).
Genome position (GRCh38, 1-based): chr8:132,572,407, C>T on the plus strand (G>A on the coding strand, the complement: DNAAF11 is on the minus strand). VCF-style: chr8-132572407-C-T. GRCh37 (hg19) VCF-style: chr8-133584655-C-T.
Other names: c.1240G>A, p.Glu414Lys (NM_001321961.2); c.1054G>A, p.Glu352Lys (NM_001321962.2); c.940G>A, p.Glu314Lys (NM_001321963.2, NM_001321964.2, NM_001321965.2); c.880G>A, p.Glu294Lys (NM_001321966.2); short protein forms E434K, E294K, E414K, E352K, E314K.
Identifiers: ClinVar variation 361900 (VCV000361900.9), dbSNP rs886062700, ClinGen allele CA10630276.

ClinVar aggregate classification (germline): Uncertain significance. Review status: criteria provided, multiple submitters, no conflicts (2 of 4 stars). 2 submissions from 2 submitters: Uncertain significance (2). Last evaluated 2022-03-28.

Conditions:
Primary ciliary dyskinesia 19. Also called: CILIARY DYSKINESIA, PRIMARY, 19, WITH OR WITHOUT SITUS INVERSUS. Identifiers: Orphanet 244, MedGen C3543826, MONDO:0013979, OMIM 614935.

Allele frequency attached by ClinVar (database versions not stated): gnomAD exomes below 0.00001 and 0.00002.
gnomAD v4.1: 27 of 1,613,814 alleles (0.0017%); highest among the groups gnomAD compares: Non-Finnish European, 0.0023%; no homozygotes.

Submissions (2):

Labcorp Genetics (formerly Invitae), Labcorp
Classification: Uncertain significance for Primary ciliary dyskinesia 19. Last evaluated: 2022-03-28. Review status: criteria provided, single submitter. Criteria: Invitae Variant Classification Sherloc (09022015). Collection method: clinical testing. Allele origin: germline.
Comment: In summary, the available evidence is currently insufficient to determine the role of this variant in disease. Therefore, it has been classified as a Variant of Uncertain Significance. Algorithms developed to predict the effect of missense changes on protein structure and function (SIFT, PolyPhen-2, Align-GVGD) all suggest that this variant is likely to be tolerated. ClinVar contains an entry for this variant (Variation ID: 361900). This variant has not been reported in the literature in individuals affected with LRRC6-related conditions. This variant is present in population databases (no rsID available, gnomAD 0.0009%). This sequence change replaces glutamic acid, which is acidic and polar, with lysine, which is basic and polar, at codon 434 of the LRRC6 protein (p.Glu434Lys).

Illumina Laboratory Services, Illumina
Classification: Uncertain significance for Primary ciliary dyskinesia 19. Last evaluated: 2018-01-12. Review status: criteria provided, single submitter. Criteria: ICSL Variant Classification Criteria 13 December 2019. Collection method: clinical testing. Allele origin: germline.